The following is an entry in ClinVar:

NM_020232.5(PSMG2):c.599A>G (p.Gln200Arg)

Gene: PSMG2 (proteasome assembly chaperone 2; plus strand). Cytogenetic location: 18p11.21.
Variant type: single nucleotide variant.
Coding change: c.599A>G on transcript NM_020232.5 (MANE Select); coding-DNA position 599, A replaced by G.
Protein change: p.Gln200Arg; replaces glutamine 200 with arginine.
Molecular consequence: missense variant.
Genome position (GRCh38, 1-based): chr18:12,724,516, A>G. VCF-style: chr18-12724516-A-G. GRCh37 (hg19) VCF-style: chr18-12724515-A-G.
Other names: c.506A>G, p.Gln169Arg (NM_147163.2); short protein forms Q169R, Q200R.
Identifiers: ClinVar variation 3700564 (VCV003700564.2).
Genomic context (GRCh38, chr18:12,724,516, plus strand): 5'-TACCCTATGAAAGAATACTGATTCTTATTTTTATTTCTTGTAGCTGTTCTAAAGAAATCC[A>G]AATGGCAGTTCTGCTGAAATTTGTTTCAGAAGGGGACAACATCCCAGATGCATTAGGTCT-3'
Protein context (NP_064617.2, residues 190-210): LYDESCSKEI[Gln200Arg]MAVLLKFVSE

ClinVar aggregate classification (germline): Uncertain significance (1 of 4 stars; one submission).

Submission:

Labcorp Genetics (formerly Invitae), Labcorp
Classification: Uncertain significance. Last evaluated: 2025-03-10. Review status: criteria provided, single submitter. Criteria: Invitae Variant Classification Sherloc (09022015). Collection method: clinical testing. Allele origin: germline.
Comment: This sequence change replaces glutamine, which is neutral and polar, with arginine, which is basic and polar, at codon 200 of the PSMG2 protein (p.Gln200Arg). This variant is not present in population databases (gnomAD no frequency). This variant has not been reported in the literature in individuals affected with PSMG2-related conditions. An algorithm developed to predict the effect of missense changes on protein structure and function (PolyPhen-2) suggests that this variant is likely to be tolerated. In summary, the available evidence is currently insufficient to determine the role of this variant in disease. Therefore, it has been classified as a Variant of Uncertain Significance.